The following is an entry in ClinVar:

NM_001379291.1(BRD4):c.1590G>A (p.Gln530=)

Gene: BRD4 (bromodomain containing 4; minus strand). Cytogenetic location: 19p13.12.
Variant type: single nucleotide variant.
Coding change: c.1590G>A on transcript NM_001379291.1 (MANE Select); coding-DNA position 1590, G replaced by A.
Protein change: p.Gln530=; no amino-acid change (glutamine 530 retained).
Molecular consequence: synonymous variant.
Genome position (GRCh38, 1-based): chr19:15,256,225, C>T on the plus strand (G>A on the coding strand, the complement: BRD4 is on the minus strand). VCF-style: chr19-15256225-C-T. GRCh37 (hg19) VCF-style: chr19-15367036-C-T.
Other names: c.1590G>A, p.Gln530= (NM_001330384.2, NM_001379292.1, NM_014299.3 and 1 more transcripts).
Identifiers: ClinVar variation 735642 (VCV000735642.11), dbSNP rs148266455, ClinGen allele CA9265321.

ClinVar aggregate classification (germline): Benign. Review status: criteria provided, single submitter (1 of 4 stars). 2 submissions from 2 submitters: Benign (1). 1 of the submissions does not count toward it. Last evaluated 2026-01-26.

Conditions:
BRD4-related disorder. Also called: BRD4-related condition.

Allele frequency attached by ClinVar (database versions not stated): gnomAD exomes 0.00014 and 0.00035; ExAC 0.00046; 1000 Genomes Project 30x 0.00141; gnomAD 0.00148 and 0.00151; 1000 Genomes Project 0.00160; TOPMed 0.00162; ESP Exome Variant Server 0.00185.
gnomAD v4.1: 450 of 1,613,094 alleles (0.028%); highest among the groups gnomAD compares: African/African-American, 0.53%; 5 homozygotes.

Submissions (2):

Labcorp Genetics (formerly Invitae), Labcorp
Classification: Benign. Last evaluated: 2026-01-26. Review status: criteria provided, single submitter. Criteria: Invitae Variant Classification Sherloc (09022015). Collection method: clinical testing. Allele origin: germline.

PreventionGenetics, part of Exact Sciences
Classification: Likely benign for BRD4-related condition. Last evaluated: 2019-10-17. Review status: no assertion criteria provided. Collection method: clinical testing. Allele origin: germline. Not counted in ClinVar's aggregate classification.
Comment: This variant is classified as likely benign based on ACMG/AMP sequence variant interpretation guidelines (Richards et al. 2015 PMID: 25741868, with internal and published modifications).